The following is an entry in ClinVar:

NM_001267550.2(TTN):c.34051G>A (p.Val11351Ile)

Gene: TTN (titin; minus strand). Cytogenetic location: 2q31.2.
Variant type: single nucleotide variant.
Coding change: c.34051G>A on transcript NM_001267550.2 (MANE Select); coding-DNA position 34051, G replaced by A.
Protein change: p.Val11351Ile; replaces valine 11351 with isoleucine.
Molecular consequence: missense variant. On other transcripts: intron variant (3).
Genome position (GRCh38, 1-based): chr2:178,677,861, C>T on the plus strand (G>A on the coding strand, the complement: TTN is on the minus strand). VCF-style: chr2-178677861-C-T. GRCh37 (hg19) VCF-style: chr2-179542588-C-T.
Other names: c.33100G>A, p.Val11034Ile (NM_001256850.1); c.30319G>A, p.Val10107Ile (NM_133378.4); c.13283-35544G>A (NM_003319.4); c.13859-35544G>A (NM_133437.4); c.13658-35544G>A (NM_133432.3); short protein forms V10107I, V11351I, V11034I.
Identifiers: ClinVar variation 677496 (VCV000677496.1), dbSNP rs777575354, ClinGen allele CA1998149.

ClinVar aggregate classification (germline): Likely benign (1 of 4 stars; one submission).

Allele frequency attached by ClinVar (database versions not stated): ExAC 0.00001; TOPMed 0.00002 and 0.00001; gnomAD exomes below 0.00001; gnomAD 0.00001.
gnomAD v4.1: 7 of 1,612,234 alleles (0.00043%); highest among the groups gnomAD compares: Non-Finnish European, 0.00059%; no homozygotes.

Submission:

GeneDx
Classification: Likely benign. Last evaluated: 2018-05-11. Review status: criteria provided, single submitter. Criteria: GeneDx Variant Classification (06012015). Collection method: clinical testing. Allele origin: germline. Affected: yes.
Comment: This variant is considered likely benign or benign based on one or more of the following criteria: it is a conservative change, it occurs at a poorly conserved position in the protein, it is predicted to be benign by multiple in silico algorithms, and/or has population frequency not consistent with disease.